The following is an entry in ClinVar:

ClinVar aggregate classification (germline): Likely benign. Review status: criteria provided, multiple submitters, no conflicts (2 of 4 stars). 3 submissions from 3 submitters: Likely benign (3). Last evaluated 2018-07-27.

Conditions:
Leigh syndrome (NULS). Also called: Leigh's necrotizing encephalopathy; Leigh's disease; Leigh Syndrome (mtDNA deletion); Leigh's syndrome; Leigh Disease; Subacute necrotizing encephalopathy. Identifiers: Orphanet 506, MedGen C2931891, MONDO:0009723, OMIM 256000.

Allele frequency attached by ClinVar (database versions not stated): gnomAD exomes 0.00088 and 0.00246; ExAC 0.00290; gnomAD 0.00846 and 0.00897; ESP Exome Variant Server 0.00884; TOPMed 0.00936; 1000 Genomes Project 0.01058; 1000 Genomes Project 30x 0.01171.

Submissions (3):

GeneDx
Classification: Likely benign. Last evaluated: 2018-07-27. Review status: criteria provided, single submitter. Criteria: GeneDx Variant Classification Process June 2021. Collection method: clinical testing. Allele origin: germline. Affected: yes.

Illumina Laboratory Services, Illumina
Classification: Likely benign for Leigh syndrome. Last evaluated: 2018-01-12. Review status: criteria provided, single submitter. Criteria: ICSL Variant Classification Criteria 13 December 2019. Collection method: clinical testing. Allele origin: germline.
Comment: This variant was observed in the ICSL laboratory as part of a predisposition screen in an ostensibly healthy population. It had not been previously curated by ICSL or reported in the Human Gene Mutation Database (HGMD: prior to June 1st, 2018), and was therefore a candidate for classification through an automated scoring system. Utilizing variant allele frequency, disease prevalence and penetrance estimates, and inheritance mode, an automated score was calculated to assess if this variant is too frequent to cause the disease. Based on the score and internal cut-off values, a variant classified as likely benign is not then subjected to further curation. The score for this variant resulted in a classification of likely benign for this disease.

Breakthrough Genomics
Classification: Likely benign. Review status: criteria provided, single submitter. Criteria: ACMG Guidelines, 2015. Collection method: not provided. Allele origin: germline. Inheritance: Autosomal recessive inheritance. Affected: yes.

NM_078470.6(COX15):c.*1197T>C

Gene: COX15 (cytochrome c oxidase assembly factor COX15; minus strand). Cytogenetic location: 10q24.2.
Variant type: single nucleotide variant.
Coding change: c.*1197T>C on transcript NM_078470.6 (MANE Select); 1197 bases downstream of the stop codon, T replaced by C.
Molecular consequence: 3 prime UTR variant. On other transcripts: non-coding transcript variant (1), intron variant (1).
Genome position (GRCh38, 1-based): chr10:99,713,390, A>G on the plus strand (T>C on the coding strand, the complement: COX15 is on the minus strand). VCF-style: chr10-99713390-A-G. GRCh37 (hg19) VCF-style: chr10-101473147-A-G.
Other names: c.*1378T>C (NM_001320975.2); c.*1197T>C (NM_001320976.2, NM_001372025.1, NM_001372026.1); c.*416T>C (NM_001372024.1); c.*1301T>C (NM_001372027.1); c.*624T>C (NM_001372028.1); c.*24T>C (NM_004376.7); c.1101+2958T>C (NM_001320974.2).
Identifiers: ClinVar variation 298411 (VCV000298411.9), dbSNP rs149696723, ClinGen allele CA5642027.
Genomic context (GRCh38, chr10:99,713,390, plus strand): 5'-ATCTCGATGGGGTCATTCTGGGACTGTTTTCAGTTGCCACTGTCATCTATTATATTAGCA[A>G]TATTGGGTTGCTCCATCCTCAAATCAGATGTTTCTGATGCCTTCATCCAAATCACTGATT-3'